The following is an entry in ClinVar:

NM_030632.3(ASXL3):c.1582G>T (p.Glu528Ter)

Gene: ASXL3 (ASXL transcriptional regulator 3; plus strand). Cytogenetic location: 18q12.1.
Variant type: single nucleotide variant.
Coding change: c.1582G>T on transcript NM_030632.3 (MANE Select); coding-DNA position 1582, G replaced by T.
Protein change: p.Glu528Ter; replaces glutamic acid 528 with a stop codon.
Molecular consequence: nonsense.
Genome position (GRCh38, 1-based): chr18:33,738,986, G>T. VCF-style: chr18-33738986-G-T. GRCh37 (hg19) VCF-style: chr18-31318950-G-T.
Other names: short protein forms E528*.
Identifiers: ClinVar variation 523766 (VCV000523766.2), dbSNP rs1555742232, ClinGen allele CA402175896.

ClinVar aggregate classification (germline): Pathogenic (1 of 4 stars; one submission).

Submission:

GeneDx
Classification: Pathogenic. Last evaluated: 2020-04-17. Review status: criteria provided, single submitter. Criteria: GeneDx Variant Classification Process June 2021. Collection method: clinical testing. Allele origin: germline. Affected: yes.
Comment: Nonsense variant predicted to result in protein truncation or nonsense mediated decay in a gene for which loss-of-function is a known mechanism of disease; Not observed in large population cohorts (Lek et al., 2016); This variant is associated with the following publications: (PMID: 26633542)